The following is an entry in ClinVar:

ClinVar aggregate classification (germline): Uncertain significance (1 of 4 stars; one submission).

Conditions:
Hereditary cancer-predisposing syndrome. Also called: Tumor predisposition; Hereditary Cancer Syndrome; Hereditary neoplastic syndrome; Neoplastic Syndromes, Hereditary. Identifiers: Orphanet 140162, MedGen C0027672, MeSH D009386, MONDO:0015356.

Submission:

Ambry Genetics
Classification: Uncertain significance for Hereditary cancer-predisposing syndrome. Last evaluated: 2023-06-25. Review status: criteria provided, single submitter. Criteria: Ambry Variant Classification Scheme 2023. Collection method: clinical testing. Allele origin: germline.
Comment: The p.E225K variant (also known as c.673G>A), located in coding exon 3 of the TMEM127 gene, results from a G to A substitution at nucleotide position 673. The glutamic acid at codon 225 is replaced by lysine, an amino acid with similar properties. This amino acid position is conserved. In addition, the in silico prediction for this alteration is inconclusive. Since supporting evidence is limited at this time, the clinical significance of this alteration remains unclear.

NM_017849.4(TMEM127):c.673G>A (p.Glu225Lys)

Gene: TMEM127 (transmembrane protein 127; minus strand). Cytogenetic location: 2q11.2.
Variant type: single nucleotide variant.
Coding change: c.673G>A on transcript NM_017849.4 (MANE Select); coding-DNA position 673, G replaced by A.
Protein change: p.Glu225Lys; replaces glutamic acid 225 with lysine.
Molecular consequence: missense variant.
Genome position (GRCh38, 1-based): chr2:96,253,852, C>T on the plus strand (G>A on the coding strand, the complement: TMEM127 is on the minus strand). VCF-style: chr2-96253852-C-T. GRCh37 (hg19) VCF-style: chr2-96919590-C-T.
Other names: c.673G>A, p.Glu225Lys (NM_001193304.3); c.421G>A, p.Glu141Lys (NM_001407282.1, NM_001407283.1); short protein forms E141K, E225K.
Identifiers: ClinVar variation 2625505 (VCV002625505.2), dbSNP rs2104282871, ClinGen allele CA347651302.
Genomic context (GRCh38, chr2:96,253,852, plus strand): 5'-GAGCCCAGGGCTGGCATTAGGGTGTGTAAGCAGGGGGTGGCTGGAACTGGTTGATGACCT[C>T]ATATTCCGCCGGGTAGGGCTCGTTCTCTTCCATCTCTGAGAGCAGCTCCAGCGCCTGCTC-3'
Protein context (NP_060319.1, residues 215-235): EENEPYPAEY[Glu225Lys]VINQFQPPPA